The following is an entry in ClinVar:

ClinVar aggregate classification (germline): Likely benign. Review status: criteria provided, single submitter (1 of 4 stars). 2 submissions from 2 submitters: Likely benign (1). 1 of the submissions does not count toward it. Last evaluated 2025-01-30.

Conditions:
Inborn genetic diseases. Identifiers: MedGen C0950123, MeSH D030342.
CRB2-related disorder. Also called: CRB2-related disorders; CRB2-related condition.

Submissions (2):

Ambry Genetics
Classification: Likely benign for Inborn genetic diseases. Last evaluated: 2025-01-30. Review status: criteria provided, single submitter. Criteria: Ambry Variant Classification Scheme 2023. Collection method: clinical testing. Allele origin: germline.

PreventionGenetics, part of Exact Sciences
Classification: Uncertain significance for CRB2-related condition. Last evaluated: 2023-12-19. Review status: no assertion criteria provided. Collection method: clinical testing. Allele origin: germline. Not counted in ClinVar's aggregate classification.
Comment: The CRB2 c.2758G>T variant is predicted to result in the amino acid substitution p.Val920Leu. To our knowledge, this variant has not been reported in the literature or in a large population database, indicating this variant is rare. This variant is interpreted as not determined.

NM_173689.7(CRB2):c.2758G>T (p.Val920Leu)

Gene: CRB2 (crumbs cell polarity complex component 2; plus strand). Cytogenetic location: 9q33.3.
Variant type: single nucleotide variant.
Coding change: c.2758G>T on transcript NM_173689.7 (MANE Select); coding-DNA position 2758, G replaced by T.
Protein change: p.Val920Leu; replaces valine 920 with leucine.
Molecular consequence: missense variant. On other transcripts: non-coding transcript variant (1).
Genome position (GRCh38, 1-based): chr9:123,373,289, G>T. VCF-style: chr9-123373289-G-T. GRCh37 (hg19) VCF-style: chr9-126135568-G-T.
Other names: c.2758G>T (NM_173689.5); short protein forms V920L.
Identifiers: ClinVar variation 3045927 (VCV003045927.4), dbSNP rs919298912, ClinGen allele CA199638731.
Genomic context (GRCh38, chr9:123,373,289, plus strand): 5'-TTTCGCACGCGCGACTCCGAGGCCTGGCTGCTGCGTGCCGCGGCGGGCGCCCTGGAAGGC[G>T]TGTGGCTGGCGGTGCGCAATGGCTCGCTGGCGGGGGGCGTGCGCGGAGGCCATGGCCTGC-3'
Protein context (NP_775960.4, residues 910-930): LRAAAGALEG[Val920Leu]WLAVRNGSLA